The following is an entry in ClinVar:

NM_001110556.2(FLNA):c.2023-5G>A

Gene: FLNA (filamin A; minus strand). Cytogenetic location: Xq28.
Variant type: single nucleotide variant.
Coding change: c.2023-5G>A on transcript NM_001110556.2 (MANE Select); 5 bases into the intron before coding-DNA position 2023, G replaced by A.
Molecular consequence: intron variant.
Genome position (GRCh38, 1-based): chrX:154,364,377, C>T on the plus strand (G>A on the coding strand, the complement: FLNA is on the minus strand). VCF-style: chrX-154364377-C-T. GRCh37 (hg19) VCF-style: chrX-153592745-C-T.
Other names: c.2023-5G>A (NM_001456.4, NM_001110556.1).
Identifiers: ClinVar variation 695667 (VCV000695667.16), dbSNP rs782694533, ClinGen allele CA10561022.

ClinVar aggregate classification (germline): Conflicting classifications of pathogenicity. Review status: criteria provided, conflicting classifications (1 of 4 stars). 3 submissions from 3 submitters: Uncertain significance (1); Likely benign (1). 1 of the submissions does not count toward it. Last evaluated 2025-12-03.

Conditions:
Familial thoracic aortic aneurysm and aortic dissection (TAAD). Also called: Thoracic aortic aneurysms and dissections. Identifiers: Orphanet 91387, MedGen C4707243, MONDO:0019625.
Heterotopia, periventricular, X-linked dominant (PVNH1). Also called: PERIVENTRICULAR NODULAR HETEROTOPIA 4; HETEROTOPIA, PERIVENTRICULAR, 1; PERIVENTRICULAR NODULAR HETEROTOPIA 1; X-linked periventricular heterotopia. Identifiers: Orphanet 2149, Orphanet 82004, MedGen C1848213, MONDO:0010233, OMIM 300049.
Oto-palato-digital syndrome, type II (OPD2). Also called: Otopalatodigital Syndrome, Type II; OPD II SYNDROME; Otopalatodigital Syndrome Type 2 (FLNA-OPD2); FACIOPALATOOSSEOUS SYNDROME. Identifiers: Orphanet 669, Orphanet 90652, MedGen C1844696, MONDO:0010571, OMIM 304120.
Melnick-Needles syndrome (MNS). Also called: MELNICK-NEEDLES OSTEODYSPLASTY; OSTEODYSPLASTY OF MELNICK AND NEEDLES; Melnick-Needles Syndrome (FLNA-MNS). Identifiers: Orphanet 2484, MedGen C0025237, MONDO:0010650, OMIM 309350.
Frontometaphyseal dysplasia (FMD1). Identifiers: Orphanet 1826, MedGen C0265293, MONDO:0015942.
FLNA-related disorder.

Allele frequency attached by ClinVar (database versions not stated): gnomAD 0.00004 and 0.00006; gnomAD exomes 0.00004; 1000 Genomes Project 30x 0.00042; 1000 Genomes Project 0.00053; TOPMed 0.00002; ExAC 0.00003.
gnomAD v4.1: 14 of 1,203,775 alleles (0.0012%); highest among the groups gnomAD compares: East Asian, 0.03%; no homozygotes.

Submissions (3):

Labcorp Genetics (formerly Invitae), Labcorp
Classification: Likely benign for Oto-palato-digital syndrome, type II; Heterotopia, periventricular, X-linked dominant; Frontometaphyseal dysplasia; Melnick-Needles syndrome. Last evaluated: 2025-12-03. Review status: criteria provided, single submitter. Criteria: Invitae Variant Classification Sherloc (09022015). Collection method: clinical testing. Allele origin: germline.

Ambry Genetics
Classification: Uncertain significance for Familial thoracic aortic aneurysm and aortic dissection. Last evaluated: 2019-08-19. Review status: criteria provided, single submitter. Criteria: Ambry Variant Classification Scheme 2023. Collection method: clinical testing. Allele origin: germline.
Comment: The c.2023-5G>A intronic variant results from a G to A substitution 5 nucleotides upstream from coding exon 13 in the FLNA gene. This nucleotide position is poorly conserved in available vertebrate species. Using the BDGP and ESEfinder splice site prediction tools, this alteration is not predicted to have any significant effect on this splice acceptor site; however, direct evidence is unavailable. Since supporting evidence is limited at this time, the clinical significance of this alteration remains unclear.

PreventionGenetics, part of Exact Sciences
Classification: Likely benign for FLNA-related condition. Last evaluated: 2023-02-16. Review status: no assertion criteria provided. Collection method: clinical testing. Allele origin: germline. Not counted in ClinVar's aggregate classification.
Comment: This variant is classified as likely benign based on ACMG/AMP sequence variant interpretation guidelines (Richards et al. 2015 PMID: 25741868, with internal and published modifications).